The following is an entry in ClinVar:

NM_000257.4(MYH7):c.5040G>A (p.Leu1680=)

Genes: MHRT (myosin heavy chain associated RNA transcript; plus strand), MYH7 (myosin heavy chain 7; minus strand), LOC126861897 (BRD4-independent group 4 enhancer GRCh37_chr14:23884455-23885654; plus strand). Cytogenetic location: 14q11.2.
Variant type: single nucleotide variant.
Coding change: c.5040G>A on transcript NM_000257.4 (MANE Select); coding-DNA position 5040, G replaced by A.
Protein change: p.Leu1680=; no amino-acid change (leucine 1680 retained).
Molecular consequence: synonymous variant. On other transcripts: non-coding transcript variant (1).
Genome position (GRCh38, 1-based): chr14:23,415,746, C>T on the plus strand (G>A on the coding strand, the complement: MYH7 is on the minus strand). VCF-style: chr14-23415746-C-T. GRCh37 (hg19) VCF-style: chr14-23884955-C-T.
Other names: c.5040G>A, p.Leu1680= (NM_001407004.1).
Identifiers: ClinVar variation 3071309 (VCV003071309.2), dbSNP rs769621446, ClinGen allele CA045132.
Genomic context (GRCh38, chr14:23,415,746, plus strand): 5'-CTTCCGGGACCGCTCTGTCTGCTCCACCACGGCACGCAACTCCTCCAGCTCAGCCTGCAG[C>T]AGGTTGTTGCGCCGCTCCACGATGGCGATGTTCTCCTTCAGGTCGTCGTTGGCACGGACT-3'
Protein context (NP_000248.2, residues 1670-1690): NIAIVERRNN[Leu1680=]LQAELEELRA

ClinVar aggregate classification (germline): Likely benign. Review status: criteria provided, multiple submitters, no conflicts (2 of 4 stars). 2 submissions from 2 submitters: Likely benign (2). Last evaluated 2025-08-03.

Conditions:
Cardiovascular phenotype. Identifiers: MedGen CN230736.
Cardiomyopathy (CMYO). Also called: Cardiomyopathies. Identifiers: Orphanet 167848, MedGen C0878544, MONDO:0004994, HP:0001638. Inheritance: Various modes of inheritance.

Allele frequency attached by ClinVar (database versions not stated): ExAC 0.00001.

Submissions (2):

Ambry Genetics
Classification: Likely benign for Cardiovascular phenotype. Last evaluated: 2025-08-03. Review status: criteria provided, single submitter. Criteria: Ambry Variant Classification Scheme 2023. Collection method: clinical testing. Allele origin: germline.

All of Us Research Program, National Institutes of Health
Classification: Likely benign for Cardiomyopathy. Last evaluated: 2023-05-30. Review status: criteria provided, single submitter. Criteria: ACMG Guidelines, 2015. Collection method: clinical testing. Allele origin: germline. Inheritance: Autosomal dominant inheritance. Observed: 1 variant allele, 1 heterozygote.
Comment: This study involves interpretation of variants in research participants for the purpose of population health screening. Participant phenotype was not available at the time of variant classification. Additional details can be found in publication PMID: 35346344, PMCID: PMC8962531